The following continues an entry in ClinVar:

NM_000183.3(HADHB):c.1149+4A>T

Gene: HADHB. ClinVar aggregate classification (germline): Benign/Likely benign. Benign (6); Likely benign (1).

Submissions 31 to 65 of 125:

Dr. Peter K. Rogan Lab, Western University
No classification provided (evidence only). Condition: Malignant lymphoma, large B-cell, diffuse. Review status: no classification provided. Collection method: in vitro. Allele origin: not applicable. Functional consequence: skipped exon, retained intron. Not counted in ClinVar's aggregate classification.

Dr. Peter K. Rogan Lab, Western University
No classification provided (evidence only). Condition: Malignant lymphoma, large B-cell, diffuse. Review status: no classification provided. Collection method: in vitro. Allele origin: not applicable. Functional consequence: skipped exon. Not counted in ClinVar's aggregate classification.

Dr. Peter K. Rogan Lab, Western University
No classification provided (evidence only). Condition: Malignant lymphoma, large B-cell, diffuse. Review status: no classification provided. Collection method: in vitro. Allele origin: not applicable. Functional consequence: skipped exon. Not counted in ClinVar's aggregate classification.

Dr. Peter K. Rogan Lab, Western University
No classification provided (evidence only). Condition: Malignant lymphoma, large B-cell, diffuse. Review status: no classification provided. Collection method: in vitro. Allele origin: not applicable. Functional consequence: skipped exon. Not counted in ClinVar's aggregate classification.

Dr. Peter K. Rogan Lab, Western University
No classification provided (evidence only). Condition: Malignant lymphoma, large B-cell, diffuse. Review status: no classification provided. Collection method: in vitro. Allele origin: not applicable. Functional consequence: skipped exon, retained intron. Not counted in ClinVar's aggregate classification.

Dr. Peter K. Rogan Lab, Western University
No classification provided (evidence only). Condition: Malignant lymphoma, large B-cell, diffuse. Review status: no classification provided. Collection method: in vitro. Allele origin: not applicable. Functional consequence: skipped exon. Not counted in ClinVar's aggregate classification.

Dr. Peter K. Rogan Lab, Western University
No classification provided (evidence only). Condition: Malignant lymphoma, large B-cell, diffuse. Review status: no classification provided. Collection method: in vitro. Allele origin: not applicable. Functional consequence: skipped exon. Not counted in ClinVar's aggregate classification.

Dr. Peter K. Rogan Lab, Western University
No classification provided (evidence only). Condition: Malignant lymphoma, large B-cell, diffuse. Review status: no classification provided. Collection method: in vitro. Allele origin: not applicable. Functional consequence: skipped exon. Not counted in ClinVar's aggregate classification.

Dr. Peter K. Rogan Lab, Western University
No classification provided (evidence only). Condition: Malignant lymphoma, large B-cell, diffuse. Review status: no classification provided. Collection method: in vitro. Allele origin: not applicable. Functional consequence: skipped exon, retained intron. Not counted in ClinVar's aggregate classification.

Dr. Peter K. Rogan Lab, Western University
No classification provided (evidence only). Condition: Malignant lymphoma, large B-cell, diffuse. Review status: no classification provided. Collection method: in vitro. Allele origin: not applicable. Functional consequence: skipped exon. Not counted in ClinVar's aggregate classification.

Dr. Peter K. Rogan Lab, Western University
No classification provided (evidence only). Condition: Nonpapillary renal cell carcinoma. Review status: no classification provided. Collection method: in vitro. Allele origin: not applicable. Functional consequence: skipped exon, retained intron. Not counted in ClinVar's aggregate classification.

Dr. Peter K. Rogan Lab, Western University
No classification provided (evidence only). Condition: Nonpapillary renal cell carcinoma. Review status: no classification provided. Collection method: in vitro. Allele origin: not applicable. Functional consequence: skipped exon, retained intron. Not counted in ClinVar's aggregate classification.

Dr. Peter K. Rogan Lab, Western University
No classification provided (evidence only). Condition: Nonpapillary renal cell carcinoma. Review status: no classification provided. Collection method: in vitro. Allele origin: not applicable. Functional consequence: skipped exon, retained intron. Not counted in ClinVar's aggregate classification.

Dr. Peter K. Rogan Lab, Western University
No classification provided (evidence only). Condition: Nonpapillary renal cell carcinoma. Review status: no classification provided. Collection method: in vitro. Allele origin: not applicable. Functional consequence: skipped exon, retained intron. Not counted in ClinVar's aggregate classification.

Dr. Peter K. Rogan Lab, Western University
No classification provided (evidence only). Condition: Nonpapillary renal cell carcinoma. Review status: no classification provided. Collection method: in vitro. Allele origin: not applicable. Functional consequence: skipped exon, retained intron. Not counted in ClinVar's aggregate classification.

Dr. Peter K. Rogan Lab, Western University
No classification provided (evidence only). Condition: Nonpapillary renal cell carcinoma. Review status: no classification provided. Collection method: in vitro. Allele origin: not applicable. Functional consequence: skipped exon. Not counted in ClinVar's aggregate classification.

Dr. Peter K. Rogan Lab, Western University
No classification provided (evidence only). Condition: Nonpapillary renal cell carcinoma. Review status: no classification provided. Collection method: in vitro. Allele origin: not applicable. Functional consequence: skipped exon. Not counted in ClinVar's aggregate classification.

Dr. Peter K. Rogan Lab, Western University
No classification provided (evidence only). Condition: Nonpapillary renal cell carcinoma. Review status: no classification provided. Collection method: in vitro. Allele origin: not applicable. Functional consequence: skipped exon. Not counted in ClinVar's aggregate classification.

Dr. Peter K. Rogan Lab, Western University
No classification provided (evidence only). Condition: Nonpapillary renal cell carcinoma. Review status: no classification provided. Collection method: in vitro. Allele origin: not applicable. Functional consequence: skipped exon. Not counted in ClinVar's aggregate classification.

Dr. Peter K. Rogan Lab, Western University
No classification provided (evidence only). Condition: Nonpapillary renal cell carcinoma. Review status: no classification provided. Collection method: in vitro. Allele origin: not applicable. Functional consequence: skipped exon. Not counted in ClinVar's aggregate classification.

Dr. Peter K. Rogan Lab, Western University
No classification provided (evidence only). Condition: Cholangiocarcinoma. Review status: no classification provided. Collection method: in vitro. Allele origin: not applicable. Functional consequence: skipped exon, retained intron. Not counted in ClinVar's aggregate classification.

Dr. Peter K. Rogan Lab, Western University
No classification provided (evidence only). Condition: Cholangiocarcinoma. Review status: no classification provided. Collection method: in vitro. Allele origin: not applicable. Functional consequence: skipped exon. Not counted in ClinVar's aggregate classification.

Dr. Peter K. Rogan Lab, Western University
No classification provided (evidence only). Condition: Cholangiocarcinoma. Review status: no classification provided. Collection method: in vitro. Allele origin: not applicable. Functional consequence: skipped exon. Not counted in ClinVar's aggregate classification.

Dr. Peter K. Rogan Lab, Western University
No classification provided (evidence only). Condition: Adrenocortical carcinoma, hereditary. Review status: no classification provided. Collection method: in vitro. Allele origin: not applicable. Functional consequence: skipped exon. Not counted in ClinVar's aggregate classification.

Dr. Peter K. Rogan Lab, Western University
No classification provided (evidence only). Condition: Adrenocortical carcinoma, hereditary. Review status: no classification provided. Collection method: in vitro. Allele origin: not applicable. Functional consequence: skipped exon. Not counted in ClinVar's aggregate classification.

Dr. Peter K. Rogan Lab, Western University
No classification provided (evidence only). Condition: Adrenocortical carcinoma, hereditary. Review status: no classification provided. Collection method: in vitro. Allele origin: not applicable. Functional consequence: skipped exon, retained intron. Not counted in ClinVar's aggregate classification.

Dr. Peter K. Rogan Lab, Western University
No classification provided (evidence only). Condition: Adrenocortical carcinoma, hereditary. Review status: no classification provided. Collection method: in vitro. Allele origin: not applicable. Functional consequence: skipped exon, retained intron. Not counted in ClinVar's aggregate classification.

Dr. Peter K. Rogan Lab, Western University
No classification provided (evidence only). Condition: Adrenocortical carcinoma, hereditary. Review status: no classification provided. Collection method: in vitro. Allele origin: not applicable. Functional consequence: skipped exon. Not counted in ClinVar's aggregate classification.

Dr. Peter K. Rogan Lab, Western University
No classification provided (evidence only). Condition: Adrenocortical carcinoma, hereditary. Review status: no classification provided. Collection method: in vitro. Allele origin: not applicable. Functional consequence: skipped exon, retained intron. Not counted in ClinVar's aggregate classification.

Dr. Peter K. Rogan Lab, Western University
No classification provided (evidence only). Condition: Adrenocortical carcinoma, hereditary. Review status: no classification provided. Collection method: in vitro. Allele origin: not applicable. Functional consequence: skipped exon. Not counted in ClinVar's aggregate classification.

Dr. Peter K. Rogan Lab, Western University
No classification provided (evidence only). Condition: Adrenocortical carcinoma, hereditary. Review status: no classification provided. Collection method: in vitro. Allele origin: not applicable. Functional consequence: skipped exon. Not counted in ClinVar's aggregate classification.

Dr. Peter K. Rogan Lab, Western University
No classification provided (evidence only). Condition: Adrenocortical carcinoma, hereditary. Review status: no classification provided. Collection method: in vitro. Allele origin: not applicable. Functional consequence: skipped exon. Not counted in ClinVar's aggregate classification.

Dr. Peter K. Rogan Lab, Western University
No classification provided (evidence only). Condition: Adrenocortical carcinoma, hereditary. Review status: no classification provided. Collection method: in vitro. Allele origin: not applicable. Functional consequence: skipped exon. Not counted in ClinVar's aggregate classification.

Dr. Peter K. Rogan Lab, Western University
No classification provided (evidence only). Condition: Adrenocortical carcinoma, hereditary. Review status: no classification provided. Collection method: in vitro. Allele origin: not applicable. Functional consequence: skipped exon. Not counted in ClinVar's aggregate classification.

Dr. Peter K. Rogan Lab, Western University
No classification provided (evidence only). Condition: Adrenocortical carcinoma, hereditary. Review status: no classification provided. Collection method: in vitro. Allele origin: not applicable. Functional consequence: skipped exon. Not counted in ClinVar's aggregate classification.